The following is an entry in ClinVar:

NM_016617.4(UFM1):c.59+104C>T

Gene: UFM1 (ubiquitin fold modifier 1; plus strand). Cytogenetic location: 13q13.3.
Variant type: single nucleotide variant.
Coding change: c.59+104C>T on transcript NM_016617.4 (MANE Select); 104 bases into the intron after coding-DNA position 59, C replaced by T.
Molecular consequence: intron variant. On other transcripts: synonymous variant (1).
Genome position (GRCh38, 1-based): chr13:38,350,159, C>T. VCF-style: chr13-38350159-C-T. GRCh37 (hg19) VCF-style: chr13-38924296-C-T.
Other names: c.45C>T, p.Leu15= (NM_001286704.2); c.59+104C>T (NM_001286705.2, NM_001286703.2, NM_001286706.2).
Identifiers: ClinVar variation 1934355 (VCV001934355.18), dbSNP rs1396171798, ClinGen allele CA609455523.

ClinVar aggregate classification (germline): Likely benign. Review status: criteria provided, multiple submitters, no conflicts (2 of 4 stars). 2 submissions from 2 submitters: Likely benign (2). Last evaluated 2025-02-01.

Allele frequency attached by ClinVar (database versions not stated): gnomAD 0.00001; gnomAD exomes 0.00001.
gnomAD v4.1: 9 of 1,613,850 alleles (0.00056%); highest among the groups gnomAD compares: South Asian, 0.0011%; no homozygotes.

Submissions (2):

CeGaT Center for Human Genetics Tuebingen
Classification: Likely benign. Last evaluated: 2025-02-01. Review status: criteria provided, single submitter. Criteria: CeGaT Center For Human Genetics Tuebingen Variant Classification Criteria Version 2. Collection method: clinical testing. Allele origin: germline. Affected: yes. Observed: 1 variant allele.
Comment: UFM1: BP4, BP7

Labcorp Genetics (formerly Invitae), Labcorp
Classification: Likely benign. Last evaluated: 2022-07-03. Review status: criteria provided, single submitter. Criteria: Invitae Variant Classification Sherloc (09022015). Collection method: clinical testing. Allele origin: germline.